The following is an entry in ClinVar:

NM_001283009.2(RTEL1):c.178C>T (p.Arg60Ter)

Genes: RTEL1 (regulator of telomere elongation helicase 1; plus strand), RTEL1-TNFRSF6B (RTEL1-TNFRSF6B readthrough (NMD candidate); plus strand). Cytogenetic location: 20q13.33.
Variant type: single nucleotide variant.
Coding change: c.178C>T on transcript NM_001283009.2 (MANE Select); coding-DNA position 178, C replaced by T.
Protein change: p.Arg60Ter; replaces arginine 60 with a stop codon.
Molecular consequence: nonsense. On other transcripts: non-coding transcript variant (1), 5 prime UTR variant (1).
Genome position (GRCh38, 1-based): chr20:63,661,373, C>T. VCF-style: chr20-63661373-C-T. GRCh37 (hg19) VCF-style: chr20-62292726-C-T.
Other names: c.-492C>T (NM_001283010.1); c.178C>T, p.Arg60Ter (NM_016434.4, NM_032957.5); c.178C>T (NM_001283009.1, NM_032957.4); short protein forms R60*.
Identifiers: ClinVar variation 2175489 (VCV002175489.7), dbSNP rs1457184127, ClinGen allele CA409657896.

ClinVar aggregate classification (germline): Pathogenic/Likely pathogenic. Review status: criteria provided, multiple submitters, no conflicts (2 of 4 stars). 4 submissions from 4 submitters: Pathogenic (2); Likely pathogenic (2). Last evaluated 2024-02-25.

Conditions:
Dyskeratosis congenita, autosomal recessive 5 (DKCB5). Identifiers: MedGen C3554656, MONDO:0014076, OMIM 615190.
Pulmonary fibrosis and/or bone marrow failure, Telomere-related, 3. Also called: PULMONARY FIBROSIS AND/OR BONE MARROW FAILURE SYNDROME, TELOMERE-RELATED, 3. Identifiers: Orphanet 2032, MedGen C4225346, MONDO:0014613, OMIM 616373.
Dyskeratosis congenita. Identifiers: Orphanet 1775, MedGen C0265965, MONDO:0015780.

Allele frequency attached by ClinVar (database versions not stated): gnomAD exomes below 0.00001; TOPMed below 0.00001.
gnomAD v4.1: 4 of 1,613,680 alleles (0.00025%); highest among the groups gnomAD compares: East Asian, 0.0022%; no homozygotes.

Submissions (4):

Fulgent Genetics
Classification: Likely pathogenic for Dyskeratosis congenita, autosomal recessive 5; Pulmonary fibrosis and/or bone marrow failure, Telomere-related, 3. Last evaluated: 2024-02-25. Review status: criteria provided, single submitter. Criteria: ACMG Guidelines, 2015. Collection method: clinical testing. Allele origin: germline.

Natera, Inc.
Classification: Likely pathogenic for Dyskeratosis congenita. Last evaluated: 2024-02-23. Review status: criteria provided, single submitter. Criteria: Natera Variant Classification Schema (03/2026). Collection method: clinical testing. Allele origin: germline.
Comment: The c.178C>T variant in RTEL1 is a nonsense variant predicted to introduce a stop codon at amino acid 60. This variant is expected to result in nonsense mediated decay, truncation, or a dysfunctional protein product. This variant is rare in the general population with a frequency below the threshold expected for the associated phenotype(s). Given the available evidence, this variant is classified as Likely Pathogenic.

Victorian Clinical Genetics Services, Murdoch Childrens Research Institute
Classification: Pathogenic for Dyskeratosis congenita, autosomal recessive 5. Last evaluated: 2023-07-16. Review status: criteria provided, single submitter. Criteria: ACMG Guidelines, 2015. Collection method: clinical testing. Allele origin: germline. Affected: yes.
Comment: Based on the classification scheme VCGS_Germline_v1.3.4, this variant is classified as Pathogenic. Following criteria are met: 0102 - Loss of function is a known mechanism of disease in this gene and is associated with autosomal dominant dyskeratosis congenita 4 and autosomal recessive dyskeratosis congenita 5 (MIM#615190), and autosomal dominant telomere-related pulmonary fibrosis and/or bone marrow failure 3 (MIM#616373). (I) 0108 - This gene is associated with both recessive and dominant disease (OMIM). (I) 0112 - The condition associated with this gene has incomplete penetrance. Monoallelic pathogenic variants have been reported in asymptomatic family members (PMIDs: 23329068, 25848748, 35199181). (I) 0115 - Variants in this gene are known to have variable expressivity (OMIM). (I) 0201 - Variant is predicted to cause nonsense-mediated decay (NMD) and loss of protein (premature termination codon is located at least 54 nucleotides upstream of the final exon-exon junction). (SP) 0251 - This variant is heterozygous. (I) 0301 - Variant is absent from gnomAD (both v2 and v3). (SP) 0701 - Other premature termination variants comparable to the one identified in this case have very strong previous evidence for pathogenicity. Many NMD-predicted variants in this gene have been reported as likely pathogenic/pathogenic (ClinVar). These variants have been reported as monoallelic in individuals with short telomeres and bone marrow failure, cytopenia, myeloid neoplasms, pulmonary fibrosis or Hoyeraal-Hreidarsson syndrome, and also in healthy family members (PMIDs: 29344583, 25848748, 23329068). In addition, they have been reported in autosomal recessive inheritance (PMIDs: 23329068, 23453664). (SP) 0807 - This variant has no previous evidence of pathogenicity. (I) 0905 - No published segregation evidence has been identified for this variant. (I) 1007 - No published functional evidence has been identified for this variant. (I) 1208 - Inheritance information for this variant is not currently available in this individual. (I) Legend: (SP) - Supporting pathogenic, (I) - Information, (SB) - Supporting benign

Labcorp Genetics (formerly Invitae), Labcorp
Classification: Pathogenic for Dyskeratosis congenita, autosomal recessive 5; Pulmonary fibrosis and/or bone marrow failure, Telomere-related, 3. Last evaluated: 2023-01-16. Review status: criteria provided, single submitter. Criteria: Invitae Variant Classification Sherloc (09022015). Collection method: clinical testing. Allele origin: germline.
Comment: Algorithms developed to predict the effect of sequence changes on RNA splicing suggest that this variant may create or strengthen a splice site. This variant has not been reported in the literature in individuals affected with RTEL1-related conditions. The frequency data for this variant in the population databases is considered unreliable, as metrics indicate poor data quality at this position in the gnomAD database. This sequence change creates a premature translational stop signal (p.Arg60*) in the RTEL1 gene. It is expected to result in an absent or disrupted protein product. Loss-of-function variants in RTEL1 are known to be pathogenic (PMID: 23453664, 23959892, 25607374). For these reasons, this variant has been classified as Pathogenic.

Literature cited by the submitters: PubMed 23329068 (cited by Victorian Clinical Genetics Services, Murdoch Childrens Research Institute); PubMed 23453664 (cited by Victorian Clinical Genetics Services, Murdoch Childrens Research Institute and Labcorp Genetics (formerly Invitae), Labcorp); PubMed 25848748 (cited by Victorian Clinical Genetics Services, Murdoch Childrens Research Institute); PubMed 29344583 (cited by Victorian Clinical Genetics Services, Murdoch Childrens Research Institute); PubMed 35199181 (cited by Victorian Clinical Genetics Services, Murdoch Childrens Research Institute); PubMed 23959892 (cited by Labcorp Genetics (formerly Invitae), Labcorp); PubMed 25607374 (cited by Labcorp Genetics (formerly Invitae), Labcorp).